The following is an entry in ClinVar:

ClinVar aggregate classification (germline): Uncertain significance (1 of 4 stars; one submission).

Conditions:
Developmental and epileptic encephalopathy, 31A. Also called: Epileptic encephalopathy, early infantile, 31; Developmental and epileptic encephalopathy, 31. Identifiers: Orphanet 2382, MedGen C4225357, MONDO:0014598, OMIM 616346.

gnomAD v4.1: 2 of 1,546,276 alleles (0.00013%); highest among the groups gnomAD compares: Admixed American, 0.0019%; no homozygotes.

Submission:

Labcorp Genetics (formerly Invitae), Labcorp
Classification: Uncertain significance for Developmental and epileptic encephalopathy, 31A. Last evaluated: 2024-12-15. Review status: criteria provided, single submitter. Criteria: Invitae Variant Classification Sherloc (09022015). Collection method: clinical testing. Allele origin: germline.
Comment: This sequence change replaces isoleucine, which is neutral and non-polar, with valine, which is neutral and non-polar, at codon 23 of the DNM1 protein (p.Ile23Val). This variant is not present in population databases (gnomAD no frequency). This variant has not been reported in the literature in individuals affected with DNM1-related conditions. Invitae Evidence Modeling of protein sequence and biophysical properties (such as structural, functional, and spatial information, amino acid conservation, physicochemical variation, residue mobility, and thermodynamic stability) indicates that this missense variant is not expected to disrupt DNM1 protein function with a negative predictive value of 80%. In summary, the available evidence is currently insufficient to determine the role of this variant in disease. Therefore, it has been classified as a Variant of Uncertain Significance.

NM_004408.4(DNM1):c.67A>G (p.Ile23Val)

Genes: CIZ1 (CDKN1A interacting zinc finger protein 1; minus strand), DNM1 (dynamin 1; plus strand). Cytogenetic location: 9q34.11.
Variant type: single nucleotide variant.
Coding change: c.67A>G on transcript NM_004408.4 (MANE Select); coding-DNA position 67, A replaced by G.
Protein change: p.Ile23Val; replaces isoleucine 23 with valine.
Molecular consequence: missense variant. On other transcripts: intron variant (2).
Genome position (GRCh38, 1-based): chr9:128,203,537, A>G. VCF-style: chr9-128203537-A-G. GRCh37 (hg19) VCF-style: chr9-130965816-A-G.
Other names: c.67A>G, p.Ile23Val (NM_001288738.2, NM_001288739.2, NM_001374269.1 and 2 more transcripts); c.-6+649T>C (NM_001131015.2, NM_012127.3); short protein forms I23V.
Identifiers: ClinVar variation 3710806 (VCV003710806.2).